The following is an entry in ClinVar:

NM_005654.6(NR2F1):c.1205T>G (p.Leu402Arg)

Gene: NR2F1 (nuclear receptor subfamily 2 group F member 1; plus strand). Cytogenetic location: 5q15.
Variant type: single nucleotide variant.
Coding change: c.1205T>G on transcript NM_005654.6 (MANE Select); coding-DNA position 1205, T replaced by G.
Protein change: p.Leu402Arg; replaces leucine 402 with arginine.
Molecular consequence: missense variant.
Genome position (GRCh38, 1-based): chr5:93,593,775, T>G. VCF-style: chr5-93593775-T-G. GRCh37 (hg19) VCF-style: chr5-92929481-T-G.
Other names: c.755T>G, p.Leu252Arg (NM_001410754.1); short protein forms L252R, L402R.
Identifiers: ClinVar variation 2700785 (VCV002700785.3), dbSNP rs2480818017, ClinGen allele CA360528018.

ClinVar aggregate classification (germline): Uncertain significance (1 of 4 stars; one submission).

Submission:

Labcorp Genetics (formerly Invitae), Labcorp
Classification: Uncertain significance. Last evaluated: 2025-11-10. Review status: criteria provided, single submitter. Criteria: Invitae Variant Classification Sherloc (09022015). Collection method: clinical testing. Allele origin: germline.
Comment: This sequence change replaces leucine, which is neutral and non-polar, with arginine, which is basic and polar, at codon 402 of the NR2F1 protein (p.Leu402Arg). This variant is not present in population databases (gnomAD no frequency). This variant has not been reported in the literature in individuals affected with NR2F1-related conditions. ClinVar contains an entry for this variant (Variation ID: 2700785). Invitae Evidence Modeling of protein sequence and biophysical properties (such as structural, functional, and spatial information, amino acid conservation, physicochemical variation, residue mobility, and thermodynamic stability) has been performed for this missense variant. However, the output from this modeling did not meet the statistical confidence thresholds required to predict the impact of this variant on NR2F1 protein function. In summary, the available evidence is currently insufficient to determine the role of this variant in disease. Therefore, it has been classified as a Variant of Uncertain Significance.